The following is an entry in ClinVar:

ClinVar aggregate classification (germline): Uncertain significance (1 of 4 stars; one submission).

Submission:

Labcorp Genetics (formerly Invitae), Labcorp
Classification: Uncertain significance. Last evaluated: 2023-09-19. Review status: criteria provided, single submitter. Criteria: Invitae Variant Classification Sherloc (09022015). Collection method: clinical testing. Allele origin: germline.
Comment: In summary, the available evidence is currently insufficient to determine the role of this variant in disease. Therefore, it has been classified as a Variant of Uncertain Significance. Variants that disrupt the consensus splice site are a relatively common cause of aberrant splicing (PMID: 17576681, 9536098). Algorithms developed to predict the effect of sequence changes on RNA splicing suggest that this variant is not likely to affect RNA splicing. This variant has not been reported in the literature in individuals affected with DSPP-related conditions. This variant is not present in population databases (gnomAD no frequency). This sequence change falls in intron 4 of the DSPP gene. It does not directly change the encoded amino acid sequence of the DSPP protein. It affects a nucleotide within the consensus splice site.

Literature cited by the submitters: PubMed 17576681; PubMed 9536098.

NM_014208.3(DSPP):c.1122+5G>A

Genes: DMP1-AS1 (DMP1 and DSPP antisense RNA 1; minus strand), DSPP (dentin sialophosphoprotein; plus strand). Cytogenetic location: 4q22.1.
Variant type: single nucleotide variant.
Coding change: c.1122+5G>A on transcript NM_014208.3 (MANE Select); 5 bases into the intron after coding-DNA position 1122, G replaced by A.
Molecular consequence: intron variant.
Genome position (GRCh38, 1-based): chr4:87,613,313, G>A. VCF-style: chr4-87613313-G-A. GRCh37 (hg19) VCF-style: chr4-88534465-G-A.
Identifiers: ClinVar variation 2778946 (VCV002778946.3), dbSNP rs1727777828, ClinGen allele CA2739270159.